The following is an entry in ClinVar:

ClinVar aggregate classification (germline): Conflicting classifications of pathogenicity. Review status: criteria provided, conflicting classifications (1 of 4 stars). 5 submissions from 5 submitters: Uncertain significance (4); Likely benign (1). Last evaluated 2025-12-29.

Conditions:
Familial hypocalciuric hypercalcemia (FHH). Also called: Familial benign hypercalcemia. Identifiers: Orphanet 405, MedGen C1809471, MONDO:0018458.
Autosomal dominant hypocalcemia 1 (HYPOC1). Also called: HYPOCALCEMIA, FAMILIAL. Identifiers: MedGen C3715128, MONDO:0011013, OMIM 601198.
Nephrolithiasis/nephrocalcinosis. Identifiers: MedGen CN580796.
Epilepsy, idiopathic generalized, susceptibility to, 8. Identifiers: MedGen C2752062, MONDO:0013032, OMIM 612899.
Neonatal severe primary hyperparathyroidism. Identifiers: Orphanet 417, MedGen C1832615, MONDO:0009397, OMIM 239200.
Familial hypocalciuric hypercalcemia 1. Also called: Hypercalcemia, familial benign type 1. Identifiers: Orphanet 405, Orphanet 93372, MedGen C0342637, MONDO:0007791, OMIM 145980.

Allele frequency attached by ClinVar (database versions not stated): gnomAD 0.00001; gnomAD exomes 0.00001 and 0.00002; ExAC 0.00002; TOPMed 0.00002.
gnomAD v4.1: 21 of 1,613,616 alleles (0.0013%); highest among the groups gnomAD compares: Non-Finnish European, 0.0018%; no homozygotes.

Submissions (5):

Center for Genomic Medicine, Rigshospitalet, Copenhagen University Hospital
Classification: Uncertain significance. Last evaluated: 2025-12-29. Review status: criteria provided, single submitter. Criteria: ACMG Guidelines, 2015. Collection method: clinical testing. Allele origin: germline.

Labcorp Genetics (formerly Invitae), Labcorp
Classification: Uncertain significance for Familial hypocalciuric hypercalcemia; Autosomal dominant hypocalcemia 1. Last evaluated: 2025-06-17. Review status: criteria provided, single submitter. Criteria: Invitae Variant Classification Sherloc (09022015). Collection method: clinical testing. Allele origin: germline.
Comment: This sequence change replaces threonine, which is neutral and polar, with alanine, which is neutral and non-polar, at codon 14 of the CASR protein (p.Thr14Ala). This variant is present in population databases (rs199515839, gnomAD 0.004%). This missense change has been observed in individual(s) with primary hyperparathyroidism (PMID: 15879434). ClinVar contains an entry for this variant (Variation ID: 463950). An algorithm developed to predict the effect of missense changes on protein structure and function outputs the following: PolyPhen-2: "Benign". The alanine amino acid residue is found in multiple mammalian species, which suggests that this missense change does not adversely affect protein function. Experimental studies have shown that this missense change does not substantially affect CASR function (PMID: 15879434). In summary, the available evidence is currently insufficient to determine the role of this variant in disease. Therefore, it has been classified as a Variant of Uncertain Significance.

Fulgent Genetics
Classification: Uncertain significance for Familial hypocalciuric hypercalcemia 1; Neonatal severe primary hyperparathyroidism; Autosomal dominant hypocalcemia 1; Epilepsy, idiopathic generalized, susceptibility to, 8. Last evaluated: 2024-02-23. Review status: criteria provided, single submitter. Criteria: ACMG Guidelines, 2015. Collection method: clinical testing. Allele origin: germline.

Ambry Genetics
Classification: Likely benign for Nephrolithiasis/nephrocalcinosis. Last evaluated: 2023-12-27. Review status: criteria provided, single submitter. Criteria: Ambry Variant Classification Scheme 2023. Collection method: clinical testing. Allele origin: germline.

GeneDx
Classification: Uncertain significance. Last evaluated: 2020-02-27. Review status: criteria provided, single submitter. Criteria: GeneDx Variant Classification Process June 2021. Collection method: clinical testing. Allele origin: germline. Affected: yes.
Comment: Published functional studies demonstrate no damaging effect on protein expression, processing, and localization, or response to extracellular calcium (Pidasheva 2005); Observed in individuals with a personal or family history including parathyroid adenoma (Pidasheva 2005); In silico analysis supports that this missense variant does not alter protein structure/function; This variant is associated with the following publications: (PMID: 17274009, 15879434, 17320849)

Literature cited by the submitters: PubMed 15879434 (cited by Center for Genomic Medicine, Rigshospitalet, Copenhagen University Hospital and Labcorp Genetics (formerly Invitae), Labcorp).

NM_000388.4(CASR):c.40A>G (p.Thr14Ala)

Gene: CASR (calcium sensing receptor; plus strand). Cytogenetic location: 3q21.1.
Variant type: single nucleotide variant.
Coding change: c.40A>G on transcript NM_000388.4 (MANE Select); coding-DNA position 40, A replaced by G.
Protein change: p.Thr14Ala; replaces threonine 14 with alanine.
Molecular consequence: missense variant.
Genome position (GRCh38, 1-based): chr3:122,254,229, A>G. VCF-style: chr3-122254229-A-G. GRCh37 (hg19) VCF-style: chr3-121973076-A-G.
Other names: c.40A>G, p.Thr14Ala (NM_001178065.2); short protein forms T14A.
Identifiers: ClinVar variation 463950 (VCV000463950.17), dbSNP rs199515839, ClinGen allele CA2569406.